The following is an entry in ClinVar:

ClinVar aggregate classification (germline): Uncertain significance (1 of 4 stars; one submission).

Conditions:
Pierpont syndrome (PRPTS). Identifiers: Orphanet 487825, MedGen C1865644, MONDO:0011213, OMIM 602342.

Allele frequency attached by ClinVar (database versions not stated): gnomAD exomes below 0.00001.
gnomAD v4.1: 1 of 1,540,892 alleles (0.000065%); highest among the groups gnomAD compares: Non-Finnish European, 0.000087%; no homozygotes.

Submission:

Labcorp Genetics (formerly Invitae), Labcorp
Classification: Uncertain significance for Pierpont syndrome. Last evaluated: 2021-03-22. Review status: criteria provided, single submitter. Criteria: Invitae Variant Classification Sherloc (09022015). Collection method: clinical testing. Allele origin: germline.
Comment: In summary, the available evidence is currently insufficient to determine the role of this variant in disease. Therefore, it has been classified as a Variant of Uncertain Significance. Algorithms developed to predict the effect of missense changes on protein structure and function are either unavailable or do not agree on the potential impact of this missense change (SIFT: "Deleterious"; PolyPhen-2: "Possibly Damaging"; Align-GVGD: "Class C0"). This variant has not been reported in the literature in individuals with TBL1XR1-related conditions. This variant is not present in population databases (ExAC no frequency). This sequence change replaces isoleucine with methionine at codon 375 of the TBL1XR1 protein (p.Ile375Met). The isoleucine residue is highly conserved and there is a small physicochemical difference between isoleucine and methionine.

NM_024665.7(TBL1XR1):c.1125A>G (p.Ile375Met)

Gene: TBL1XR1 (TBL1X/Y related 1; minus strand). Cytogenetic location: 3q26.32.
Variant type: single nucleotide variant.
Coding change: c.1125A>G on transcript NM_024665.7 (MANE Select); coding-DNA position 1125, A replaced by G.
Protein change: p.Ile375Met; replaces isoleucine 375 with methionine.
Molecular consequence: missense variant.
Genome position (GRCh38, 1-based): chr3:177,034,323, T>C on the plus strand (A>G on the coding strand, the complement: TBL1XR1 is on the minus strand). VCF-style: chr3-177034323-T-C. GRCh37 (hg19) VCF-style: chr3-176752111-T-C.
Other names: c.1125A>G, p.Ile375Met (NM_001321193.3, NM_001321194.3, NM_001374327.1 and 2 more transcripts); c.864A>G, p.Ile288Met (NM_001321195.3, NM_001374330.1); short protein forms I375M, I288M.
Identifiers: ClinVar variation 1352047 (VCV001352047.6), dbSNP rs1714452457, ClinGen allele CA355554864.